The following is an entry in ClinVar:

ClinVar aggregate classification (germline): Uncertain significance (1 of 4 stars; one submission).

Submission:

GeneDx
Classification: Uncertain significance. Last evaluated: 2023-05-19. Review status: criteria provided, single submitter. Criteria: GeneDx Variant Classification Process June 2021. Collection method: clinical testing. Allele origin: germline. Affected: yes.
Comment: Not observed at significant frequency in large population cohorts (gnomAD); In silico analysis supports that this missense variant has a deleterious effect on protein structure/function; Has not been previously published as pathogenic or benign to our knowledge

NM_004859.4(CLTC):c.1031A>G (p.Asn344Ser)

Gene: CLTC (clathrin heavy chain; plus strand). Cytogenetic location: 17q23.1.
Variant type: single nucleotide variant.
Coding change: c.1031A>G on transcript NM_004859.4 (MANE Select); coding-DNA position 1031, A replaced by G.
Protein change: p.Asn344Ser; replaces asparagine 344 with serine.
Molecular consequence: missense variant.
Genome position (GRCh38, 1-based): chr17:59,660,452, A>G. VCF-style: chr17-59660452-A-G. GRCh37 (hg19) VCF-style: chr17-57737813-A-G.
Other names: c.1043A>G, p.Asn348Ser (NM_001288653.2); short protein forms N344S, N348S.
Identifiers: ClinVar variation 3343762 (VCV003343762.1).